The following is an entry in ClinVar:

ClinVar aggregate classification (germline): Uncertain significance. Review status: criteria provided, multiple submitters, no conflicts (2 of 4 stars). 2 submissions from 2 submitters: Uncertain significance (2). Last evaluated 2025-07-01.

Conditions:
FG syndrome (FGS). Identifiers: MedGen C0220769, MONDO:0002010.

Submissions (2):

Dasa
Classification: Uncertain significance. Last evaluated: 2025-07-01. Review status: criteria provided, single submitter. Criteria: DASA Assertion Criteria. Collection method: clinical testing. Allele origin: germline.
Comment: NM_005120.3(MED12):c.1072C>G (p.Leu358Val) is a missense variant that results in the substitution of leucine with valine. This variant is rare in population databases. Computational prediction algorithms are consistent with a benign effect. The currently available literature and clinical evidence are not sufficient to establish a definitive association between this variant and the reported condition. Therefore, this variant is classified as a variant of uncertain significance.

Labcorp Genetics (formerly Invitae), Labcorp
Classification: Uncertain significance for FG syndrome. Last evaluated: 2025-02-15. Review status: criteria provided, single submitter. Criteria: Invitae Variant Classification Sherloc (09022015). Collection method: clinical testing. Allele origin: germline.
Comment: This sequence change replaces leucine, which is neutral and non-polar, with valine, which is neutral and non-polar, at codon 358 of the MED12 protein (p.Leu358Val). This variant is not present in population databases (gnomAD no frequency). This variant has not been reported in the literature in individuals affected with MED12-related conditions. Invitae Evidence Modeling of protein sequence and biophysical properties (such as structural, functional, and spatial information, amino acid conservation, physicochemical variation, residue mobility, and thermodynamic stability) indicates that this missense variant is not expected to disrupt MED12 protein function with a negative predictive value of 95%. In summary, the available evidence is currently insufficient to determine the role of this variant in disease. Therefore, it has been classified as a Variant of Uncertain Significance.

NM_005120.3(MED12):c.1072C>G (p.Leu358Val)

Gene: MED12 (mediator complex subunit 12; plus strand). Cytogenetic location: Xq13.1.
Variant type: single nucleotide variant.
Coding change: c.1072C>G on transcript NM_005120.3 (MANE Select); coding-DNA position 1072, C replaced by G.
Protein change: p.Leu358Val; replaces leucine 358 with valine.
Molecular consequence: missense variant.
Genome position (GRCh38, 1-based): chrX:71,121,787, C>G. VCF-style: chrX-71121787-C-G. GRCh37 (hg19) VCF-style: chrX-70341637-C-G.
Other names: short protein forms L358V.
Identifiers: ClinVar variation 4706227 (VCV004706227.3).